The following is an entry in ClinVar:

NM_014795.4(ZEB2):c.3256G>C (p.Glu1086Gln)

Gene: ZEB2 (zinc finger E-box binding homeobox 2; minus strand). Cytogenetic location: 2q22.3.
Variant type: single nucleotide variant.
Coding change: c.3256G>C on transcript NM_014795.4 (MANE Select); coding-DNA position 3256, G replaced by C.
Protein change: p.Glu1086Gln; replaces glutamic acid 1086 with glutamine.
Molecular consequence: missense variant.
Genome position (GRCh38, 1-based): chr2:144,389,840, C>G on the plus strand (G>C on the coding strand, the complement: ZEB2 is on the minus strand). VCF-style: chr2-144389840-C-G. GRCh37 (hg19) VCF-style: chr2-145147407-C-G.
Other names: c.3256G>C (NM_014795.3); c.3184G>C, p.Glu1062Gln (NM_001171653.2); short protein forms E1062Q, E1086Q.
Identifiers: ClinVar variation 2013448 (VCV002013448.5), dbSNP rs2549101882, ClinGen allele CA348699987.

ClinVar aggregate classification (germline): Uncertain significance. Review status: criteria provided, multiple submitters, no conflicts (2 of 4 stars). 2 submissions from 2 submitters: Uncertain significance (2). Last evaluated 2023-06-16.

Conditions:
Mowat-Wilson syndrome (MOWS). Also called: Classic Mowat-Wilson Syndrome. Identifiers: Orphanet 2152, MedGen C1856113, MONDO:0009341, OMIM 235730.

Submissions (2):

GeneDx
Classification: Uncertain significance. Last evaluated: 2023-06-16. Review status: criteria provided, single submitter. Criteria: GeneDx Variant Classification Process June 2021. Collection method: clinical testing. Allele origin: germline. Affected: yes.
Comment: Not observed at significant frequency in large population cohorts (gnomAD); In silico analysis supports that this missense variant does not alter protein structure/function; Has not been previously published as pathogenic or benign to our knowledge

Labcorp Genetics (formerly Invitae), Labcorp
Classification: Uncertain significance for Mowat-Wilson syndrome. Last evaluated: 2022-07-22. Review status: criteria provided, single submitter. Criteria: Invitae Variant Classification Sherloc (09022015). Collection method: clinical testing. Allele origin: germline.
Comment: This sequence change replaces glutamic acid, which is acidic and polar, with glutamine, which is neutral and polar, at codon 1086 of the ZEB2 protein (p.Glu1086Gln). This variant is not present in population databases (gnomAD no frequency). This variant has not been reported in the literature in individuals affected with ZEB2-related conditions. Algorithms developed to predict the effect of missense changes on protein structure and function (SIFT, PolyPhen-2, Align-GVGD) all suggest that this variant is likely to be disruptive. In summary, the available evidence is currently insufficient to determine the role of this variant in disease. Therefore, it has been classified as a Variant of Uncertain Significance.